The following is an entry in ClinVar:

ClinVar aggregate classification (germline): Conflicting classifications of pathogenicity. Review status: criteria provided, conflicting classifications (1 of 4 stars). 6 submissions from 6 submitters: Uncertain significance (5); Likely benign (1). Last evaluated 2026-05-24.

Conditions:
ALG9-related disorder. Also called: ALG9-related condition.
Gillessen-Kaesbach-Nishimura syndrome (GIKANIS). Identifiers: MedGen C1849762, MONDO:0009890, OMIM 263210.
ALG9 congenital disorder of glycosylation (CDG1L). Also called: CDG Il; ALG9-CDG; CONGENITAL DISORDER OF GLYCOSYLATION, TYPE Il. Identifiers: Orphanet 79328, MedGen C2931006, MONDO:0012117, OMIM 608776.

Allele frequency attached by ClinVar (database versions not stated): ExAC 0.00024; ESP Exome Variant Server 0.00025; gnomAD exomes 0.00025; gnomAD 0.00026 and 0.00027; TOPMed 0.00012.
gnomAD v4.1: 470 of 1,614,022 alleles (0.029%); highest among the groups gnomAD compares: Non-Finnish European, 0.037%; 1 homozygote.

Submissions (6):

PreventionGenetics, part of Exact Sciences
Classification: Uncertain significance for ALG9-related condition. Last evaluated: 2026-05-24. Review status: criteria provided, single submitter. Criteria: ACMG Guidelines, 2015. Collection method: clinical testing. Allele origin: germline.
Comment: The ALG9 c.741G>T variant is predicted to result in the amino acid substitution p.Arg247Ser. To our knowledge, this variant has not been reported in the literature. This variant is reported in 0.036% of alleles in individuals of European (Non-Finnish) descent in gnomAD v4.1.1 with one homozygote. The p.Arg247 residue is weakly conserved. The REVEL (rare exome variant ensemble learner) program predicts this variant is benign at a "supporting" level (Ioannidis et al. 2016. PubMed ID: 27666373; Bergquist et al. 2024. PubMed ID: 39345488). Although we suspect that this variant may be benign, at this time, the clinical significance of this variant is uncertain due to the absence of conclusive functional and genetic evidence.

Laboratory of Genetics, Children's Clinical University Hospital Latvia
Classification: Likely benign. Last evaluated: 2025-02-16. Review status: criteria provided, single submitter. Criteria: ACMG Guidelines, 2015. Collection method: clinical testing. Allele origin: germline. Affected: yes.

Labcorp Genetics (formerly Invitae), Labcorp
Classification: Uncertain significance for ALG9 congenital disorder of glycosylation. Last evaluated: 2025-01-20. Review status: criteria provided, single submitter. Criteria: Invitae Variant Classification Sherloc (09022015). Collection method: clinical testing. Allele origin: germline.
Comment: This sequence change replaces arginine, which is basic and polar, with serine, which is neutral and polar, at codon 247 of the ALG9 protein (p.Arg247Ser). This variant is present in population databases (rs200946042, gnomAD 0.06%). This variant has not been reported in the literature in individuals affected with ALG9-related conditions. ClinVar contains an entry for this variant (Variation ID: 598383). Experimental studies and prediction algorithms are not available or were not evaluated, and the functional significance of this variant is currently unknown. In summary, the available evidence is currently insufficient to determine the role of this variant in disease. Therefore, it has been classified as a Variant of Uncertain Significance.

GeneDx
Classification: Uncertain significance. Last evaluated: 2022-09-06. Review status: criteria provided, single submitter. Criteria: GeneDx Variant Classification Process June 2021. Collection method: clinical testing. Allele origin: germline. Affected: yes.
Comment: In silico analysis supports that this missense variant does not alter protein structure/function; Has not been previously published as pathogenic or benign to our knowledge; This variant is associated with the following publications: (PMID: 28166811)

Fulgent Genetics
Classification: Uncertain significance for Gillessen-Kaesbach-Nishimura syndrome; ALG9 congenital disorder of glycosylation. Last evaluated: 2021-11-30. Review status: criteria provided, single submitter. Criteria: ACMG Guidelines, 2015. Collection method: clinical testing. Allele origin: unknown.

Eurofins Ntd Llc (ga)
Classification: Uncertain significance. Last evaluated: 2018-08-14. Review status: criteria provided, single submitter. Criteria: EGL ClinVar v180209 classification definitions. Collection method: clinical testing. Allele origin: germline. Observed: 1 variant allele, 1 heterozygote.

NM_024740.2(ALG9):c.741G>T (p.Arg247Ser)

Gene: ALG9 (ALG9 alpha-1,2-mannosyltransferase; minus strand). Cytogenetic location: 11q23.1.
Variant type: single nucleotide variant.
Coding change: c.741G>T on transcript NM_024740.2 (MANE Select); coding-DNA position 741, G replaced by T.
Protein change: p.Arg247Ser; replaces arginine 247 with serine.
Molecular consequence: missense variant. On other transcripts: non-coding transcript variant (1).
Genome position (GRCh38, 1-based): chr11:111,853,697, C>A on the plus strand (G>T on the coding strand, the complement: ALG9 is on the minus strand). VCF-style: chr11-111853697-C-A. GRCh37 (hg19) VCF-style: chr11-111724420-C-A.
Other names: c.741G>T, p.Arg247Ser (NM_001077690.1, NM_001352417.1, NM_001352418.1); c.228G>T, p.Arg76Ser (NM_001077691.2, NM_001077692.2, NM_001352409.1 and 11 more transcripts); c.153G>T, p.Arg51Ser (NM_001352422.2); short protein forms R247S, R51S, R76S.
Identifiers: ClinVar variation 598383 (VCV000598383.16), dbSNP rs200946042, ClinGen allele CA6274571.
Genomic context (GRCh38, chr11:111,853,697, plus strand): 5'-AAGAAAACTCACCAGAAATAGTATGAGGGCCATCAGCGACCAATGAAAGAAACTCTTCCA[C>A]CTGTGTTTCATGACCAGCAAATCAAAGGCAATGGGTAAACTATTTAACAGAGAAACAGAG-3'
Protein context (NP_079016.2, residues 237-257): IAFDLLVMKH[Arg247Ser]WKSFFHWSLM